The following is an entry in ClinVar:

NM_001142446.2(ANK1):c.127-39556C>T

Gene: ANK1 (ankyrin 1; minus strand). Cytogenetic location: 8p11.21.
Variant type: single nucleotide variant.
Coding change: c.127-39556C>T on transcript NM_001142446.2; 39556 bases into the intron before coding-DNA position 127, C replaced by T.
Molecular consequence: intron variant.
Genome position (GRCh38, 1-based): chr8:41,797,693, G>A on the plus strand (C>T on the coding strand, the complement: ANK1 is on the minus strand). VCF-style: chr8-41797693-G-A. GRCh37 (hg19) VCF-style: chr8-41655211-G-A.
Identifiers: ClinVar variation 1330494 (VCV001330494.9), dbSNP rs907195146, ClinGen allele CA175931406.

ClinVar aggregate classification (germline): Likely benign. Review status: criteria provided, single submitter (1 of 4 stars). 2 submissions from 2 submitters: Likely benign (1). 1 of the submissions does not count toward it. Last evaluated 2021-11-30.

Conditions:
ANK1-related disorder. Also called: ANK1-related condition.
Hereditary spherocytosis type 1. Also called: Spherocytosis type 1; ANK1-Related Spherocytosis. Identifiers: Orphanet 822, MedGen C2674218, MONDO:0008447, OMIM 182900.

Allele frequency attached by ClinVar (database versions not stated): TOPMed 0.00020; gnomAD 0.00021 and 0.00020.
gnomAD v4.1: 256 of 1,196,780 alleles (0.021%); highest among the groups gnomAD compares: Middle Eastern, 0.03%; 1 homozygote.

Submissions (2):

ARUP Laboratories, Molecular Genetics and Genomics, ARUP Laboratories
Classification: Likely benign for Hereditary spherocytosis type 1. Last evaluated: 2021-11-30. Review status: criteria provided, single submitter. Criteria: ARUP Molecular Germline Variant Investigation Process 2021. Collection method: clinical testing. Allele origin: germline.

PreventionGenetics, part of Exact Sciences
Classification: Likely benign for ANK1-related condition. Last evaluated: 2019-05-28. Review status: no assertion criteria provided. Collection method: clinical testing. Allele origin: germline. Not counted in ClinVar's aggregate classification.
Comment: This variant is classified as likely benign based on ACMG/AMP sequence variant interpretation guidelines (Richards et al. 2015 PMID: 25741868, with internal and published modifications).